The following is an entry in ClinVar:

NM_001386298.1(CIC):c.7095C>G (p.Asp2365Glu)

Gene: CIC (capicua transcriptional repressor; plus strand). Cytogenetic location: 19q13.2.
Variant type: single nucleotide variant.
Coding change: c.7095C>G on transcript NM_001386298.1 (MANE Select); coding-DNA position 7095, C replaced by G.
Protein change: p.Asp2365Glu; replaces aspartic acid 2365 with glutamic acid.
Molecular consequence: missense variant.
Genome position (GRCh38, 1-based): chr19:42,294,644, C>G. VCF-style: chr19-42294644-C-G. GRCh37 (hg19) VCF-style: chr19-42798796-C-G.
Other names: c.7095C>G, p.Asp2365Glu (NM_001304815.2); c.7092C>G, p.Asp2364Glu (NM_001379480.1, NM_001379482.1, NM_001379483.1); c.4362C>G, p.Asp1454Glu (NM_001379484.1); c.4359C>G, p.Asp1453Glu (NM_001379485.1); c.4368C>G, p.Asp1456Glu (NM_015125.5); short protein forms D1453E, D1454E, D1456E, D2364E, D2365E.
Identifiers: ClinVar variation 2440075 (VCV002440075.18), dbSNP rs146337288, ClinGen allele CA9472929.

ClinVar aggregate classification (germline): Conflicting classifications of pathogenicity. Review status: criteria provided, conflicting classifications (1 of 4 stars). 3 submissions from 3 submitters: Uncertain significance (1); Likely benign (2). Last evaluated 2026-08-01.

Conditions:
Intellectual developmental disorder, autosomal dominant 45. Also called: MENTAL RETARDATION, AUTOSOMAL DOMINANT 45; Intellectual disability, autosomal dominant 45. Identifiers: MedGen C4539848, MONDO:0030910, OMIM 617600.
Inborn genetic diseases. Identifiers: MedGen C0950123, MeSH D030342.

Allele frequency attached by ClinVar (database versions not stated): ExAC 0.00003; gnomAD 0.00005; TOPMed 0.00010; gnomAD exomes 0.00011; ESP Exome Variant Server 0.00015.
gnomAD v4.1: 169 of 1,613,690 alleles (0.01%); highest among the groups gnomAD compares: Non-Finnish European, 0.013%; no homozygotes.

Submissions (3):

CeGaT Center for Human Genetics Tuebingen
Classification: Likely benign. Last evaluated: 2026-08-01. Review status: criteria provided, single submitter. Criteria: CeGaT Center For Human Genetics Tuebingen Variant Classification Criteria Version 2. Collection method: clinical testing. Allele origin: germline. Affected: yes. Observed: 2 variant alleles.
Comment: CIC: BS2

Ambry Genetics
Classification: Likely benign for Inborn genetic diseases. Last evaluated: 2024-10-06. Review status: criteria provided, single submitter. Criteria: Ambry Variant Classification Scheme 2023. Collection method: clinical testing. Allele origin: germline.

Revvity Omics, Revvity
Classification: Uncertain significance for Intellectual developmental disorder, autosomal dominant 45. Last evaluated: 2019-07-29. Review status: criteria provided, single submitter. Criteria: ACMG Guidelines, 2015. Collection method: clinical testing. Allele origin: germline.